The following is an entry in ClinVar:

NM_003060.4(SLC22A5):c.1109G>A (p.Gly370Glu)

Gene: SLC22A5 (solute carrier family 22 member 5; plus strand). Cytogenetic location: 5q31.1.
Variant type: single nucleotide variant.
Coding change: c.1109G>A on transcript NM_003060.4 (MANE Select); coding-DNA position 1109, G replaced by A.
Protein change: p.Gly370Glu; replaces glycine 370 with glutamic acid.
Molecular consequence: missense variant.
Genome position (GRCh38, 1-based): chr5:132,390,746, G>A. VCF-style: chr5-132390746-G-A. GRCh37 (hg19) VCF-style: chr5-131726438-G-A.
Other names: c.1181G>A, p.Gly394Glu (NM_001308122.2); short protein forms G394E, G370E.
Identifiers: ClinVar variation 1349723 (VCV001349723.8), dbSNP rs2126789674, ClinGen allele CA360807540.

ClinVar aggregate classification (germline): Uncertain significance (1 of 4 stars; one submission).

Conditions:
Renal carnitine transport defect (CDSP). Also called: Systemic primary carnitine deficiency; Carnitine transporter deficiency; Carnitine Deficiency, Systemic; Systemic primary carnitine deficiency disease; Primary carnitine deficiency; CARNITINE DEFICIENCY, SYSTEMIC, DUE TO DEFECT IN RENAL REABSORPTION OF CARNITINE. Identifiers: Orphanet 158, MedGen C0342788, MONDO:0008919, OMIM 212140.

Submission:

Labcorp Genetics (formerly Invitae), Labcorp
Classification: Uncertain significance for Renal carnitine transport defect. Last evaluated: 2020-11-21. Review status: criteria provided, single submitter. Criteria: Invitae Variant Classification Sherloc (09022015). Collection method: clinical testing. Allele origin: germline.
Comment: In summary, the available evidence is currently insufficient to determine the role of this variant in disease. Therefore, it has been classified as a Variant of Uncertain Significance. Advanced modeling of protein sequence and biophysical properties (such as structural, functional, and spatial information, amino acid conservation, physicochemical variation, residue mobility, and thermodynamic stability) performed at Invitae indicates that this missense variant is expected to disrupt SLC22A5 protein function. This variant has not been reported in the literature in individuals with SLC22A5-related conditions. This variant is not present in population databases (ExAC no frequency). This sequence change replaces glycine with glutamic acid at codon 370 of the SLC22A5 protein (p.Gly370Glu). The glycine residue is highly conserved and there is a moderate physicochemical difference between glycine and glutamic acid.